The following is an entry in ClinVar:

NM_018685.5(ANLN):c.3319G>C (p.Val1107Leu)

Gene: ANLN (anillin, actin binding protein; plus strand). Cytogenetic location: 7p14.2.
Variant type: single nucleotide variant.
Coding change: c.3319G>C on transcript NM_018685.5 (MANE Select); coding-DNA position 3319, G replaced by C.
Protein change: p.Val1107Leu; replaces valine 1107 with leucine.
Molecular consequence: missense variant.
Genome position (GRCh38, 1-based): chr7:36,452,544, G>C. VCF-style: chr7-36452544-G-C. GRCh37 (hg19) VCF-style: chr7-36492153-G-C.
Other names: c.3208G>C, p.Val1070Leu (NM_001284301.3); c.3205G>C, p.Val1069Leu (NM_001284302.3); short protein forms V1070L, V1069L, V1107L.
Identifiers: ClinVar variation 1418630 (VCV001418630.8), dbSNP rs144473222, ClinGen allele CA4220150.

ClinVar aggregate classification (germline): Uncertain significance (1 of 4 stars; one submission).

Allele frequency attached by ClinVar (database versions not stated): gnomAD exomes 0.00001 and 0.00002; ExAC 0.00002; ESP Exome Variant Server 0.00008.
gnomAD v4.1: 13 of 1,614,056 alleles (0.00081%); highest among the groups gnomAD compares: Non-Finnish European, 0.001%; no homozygotes.

Submission:

Labcorp Genetics (formerly Invitae), Labcorp
Classification: Uncertain significance. Last evaluated: 2022-09-13. Review status: criteria provided, single submitter. Criteria: Invitae Variant Classification Sherloc (09022015). Collection method: clinical testing. Allele origin: germline.
Comment: This sequence change replaces valine, which is neutral and non-polar, with leucine, which is neutral and non-polar, at codon 1107 of the ANLN protein (p.Val1107Leu). This variant is present in population databases (rs144473222, gnomAD 0.004%). This variant has not been reported in the literature in individuals affected with ANLN-related conditions. ClinVar contains an entry for this variant (Variation ID: 1418630). Advanced modeling of protein sequence and biophysical properties (such as structural, functional, and spatial information, amino acid conservation, physicochemical variation, residue mobility, and thermodynamic stability) performed at Invitae indicates that this missense variant is not expected to disrupt ANLN protein function. In summary, the available evidence is currently insufficient to determine the role of this variant in disease. Therefore, it has been classified as a Variant of Uncertain Significance.